The following is an entry in ClinVar:

NM_015107.3(PHF8):c.2809C>A (p.Pro937Thr)

Gene: PHF8 (PHD finger protein 8; minus strand). Cytogenetic location: Xp11.22.
Variant type: single nucleotide variant.
Coding change: c.2809C>A on transcript NM_015107.3 (MANE Select); coding-DNA position 2809, C replaced by A.
Protein change: p.Pro937Thr; replaces proline 937 with threonine.
Molecular consequence: missense variant.
Genome position (GRCh38, 1-based): chrX:53,940,357, G>T on the plus strand (C>A on the coding strand, the complement: PHF8 is on the minus strand). VCF-style: chrX-53940357-G-T. GRCh37 (hg19) VCF-style: chrX-53966790-G-T.
Other names: c.2917C>A, p.Pro973Thr (NM_001184896.1); c.2506C>A, p.Pro836Thr (NM_001184897.2); short protein forms P836T, P937T, P973T.
Identifiers: ClinVar variation 1326170 (VCV001326170.2), dbSNP rs2149767920, ClinGen allele CA413241000.

ClinVar aggregate classification (germline): Uncertain significance (1 of 4 stars; one submission).

Submission:

GeneDx
Classification: Uncertain significance. Last evaluated: 2021-11-04. Review status: criteria provided, single submitter. Criteria: GeneDx Variant Classification Process June 2021. Collection method: clinical testing. Allele origin: germline. Affected: yes.
Comment: Not observed at significant frequency in large population cohorts (Lek et al., 2016); In silico analysis supports that this missense variant does not alter protein structure/function; Has not been previously published as pathogenic or benign to our knowledge